The following continues an entry in ClinVar:

NM_000402.4(G6PD):c.466A>G (p.Asn156Asp)

Gene: G6PD. ClinVar aggregate classification (germline): Conflicting classifications of pathogenicity. Pathogenic (13); Likely pathogenic (4); Uncertain significance (5); Benign (2); Likely benign (3).

Submissions 31 to 34 of 34:

Department of Genetics, Sultan Qaboos University Hospital
Classification: Benign for Anemia, nonspherocytic hemolytic, due to G6PD deficiency. Last evaluated: 2017-12-30. Review status: no assertion criteria provided. Collection method: curation. Allele origin: unknown. Affected: yes. Not counted in ClinVar's aggregate classification.

Division of Human Genetics, Children's Hospital of Philadelphia
Classification: Pathogenic for Malaria, susceptibility to; Anemia, nonspherocytic hemolytic, due to G6PD deficiency. Last evaluated: 2015-12-29. Review status: no assertion criteria provided. Collection method: research. Allele origin: germline. Study: CSER-PediSeq. Not counted in ClinVar's aggregate classification.

Division of Human Genetics, Children's Hospital of Philadelphia
Classification: Pathogenic for Hemolytic anemia due to G6PD deficiency. Last evaluated: 2015-02-20. Review status: no assertion criteria provided. Collection method: research. Allele origin: germline. Affected: no. Study: CSER-PediSeq. Not counted in ClinVar's aggregate classification.
Comment: The heterozygous variant (c.376A>G; p.Asn126Asp) has been previously published by itself under the name of “A variant”; the resulting enzymatic activity of this variant was at 84% of wild type. This variant have been previously published as part of the same haplotype (A- variant) which results in reduced enzymatic activity to 10-23% of normal activity.

Department of Pathology and Laboratory Medicine, Sinai Health System
Classification: Uncertain significance. Review status: no assertion criteria provided. Collection method: clinical testing. Allele origin: unknown. Affected: yes. Study: The Canadian Open Genetics Repository (COGR). Not counted in ClinVar's aggregate classification.
Comment: The G6PD p.N126D variant was identified in literature and is commonly known as the A+ allele. When the p.N126D variant is found on the same allele as the G6PD p.V68M variant it is known as the A- allele, and is one of the most common causes G6PD deficiency in the African population (Beutler_1989_PMID:2572288; Clark_2009_PMID:19223928). The variant was identified in dbSNP (ID: rs1050829) and ClinVar (classified as pathogenic by the Center for Pediatric Genomic Medicine, Mendelics, Knight Diagnostic Laboratories, Children's Hospital of Philadelphia and King Abdulaziz Medical City, classified as uncertain significance by GeneDx, BluePrint Genetics and Invitae, classified as likely benign by ARUP Laboratories and Illumina and classified as benign by the Derpatment of Genetics, Qaboos University Hospital Oman). The variant was identified in control databases in 6586 of 205081 chromosomes (722 homozygous; 1760 hemizygous) at a frequency of 0.03211 increasing the likelihood this could be a low frequency benign variant (Genome Aggregation Database March 6, 2019, v2.1.1). The variant was observed in the following populations: African in 6025 of 18923 chromosomes (freq: 0.3184), Latino in 417 of 28037 chromosomes (freq: 0.01487), Other in 68 of 5335 chromosomes (freq: 0.01275), South Asian in 14 of 19079 chromosomes (freq: 0.000734), European (non-Finnish) in 61 of 92560 chromosomes (freq: 0.000659) and Ashkenazi Jewish in 1 of 7669 chromosomes (freq: 0.00013), but was not observed in the East Asian or European (Finnish) populations. The p.Asn156 residue is conserved in mammals but not in more distantly related organisms however computational analyses (PolyPhen-2, SIFT, AlignGVGD, BLOSUM, MutationTaster) do not suggest a high likelihood of impact to the protein; this information is not predictive enough to rule out pathogenicity. The variant occurs outside of the splicing consensus sequence and in silico or computational prediction software programs (SpliceSiteFinder, MaxEntScan, NNSPLICE, GeneSplicer) do not predict a difference in splicing. Functional studies of the A+ allele (p.N126D variant alone), the p.V68M variant alone, and the A- allele (p.N126D + p.V68M) have demonstrated that the variants alone only cause a slight decrease in activity and enzyme yield, but show significantly decreased activity and enzyme yield when found on the same allele (A-), demonstrating a synergistic effect; therefore the A+ allele on its own is not enough to cause G6PD deficiency (Town_1992_PMID:1303173; Vulliamy_1988_PMID:3393536). In summary, based on the above information the clinical significance of this variant cannot be determined with certainty at this time. This variant is classified as a variant of uncertain significance.

Literature cited by the submitters: PubMed 11852882 (cited by OLLIN Analises Genomicas, OLLIN); PubMed 23006493 (cited by OLLIN Analises Genomicas, OLLIN and Dunham Lab, University of Washington); PubMed 22307442 (cited by OLLIN Analises Genomicas, OLLIN and AiLife Diagnostics); PubMed 9674740 (cited by OLLIN Analises Genomicas, OLLIN); PubMed 27287612 (cited by OLLIN Analises Genomicas, OLLIN and Labcorp Genetics (formerly Invitae), Labcorp); PubMed 263378 (cited by OLLIN Analises Genomicas, OLLIN); PubMed 1206491 (cited by OLLIN Analises Genomicas, OLLIN); PubMed 10747271 (cited by OLLIN Analises Genomicas, OLLIN); PubMed 25201310 (cited by 4 submitters); PubMed 32702756 (cited by Center for Genomic Medicine, Rigshospitalet, Copenhagen University Hospital); PubMed 2572288 (cited by 3 submitters); PubMed 4359638 (cited by Center for Genomic Medicine, Rigshospitalet, Copenhagen University Hospital and Labcorp Genetics (formerly Invitae), Labcorp); PubMed 3393536 (cited by 6 submitters); PubMed 12850494 (cited by 3billion); PubMed 35606495 (cited by Department of Molecular Genetics, Istishari Arab Hospital and Women's Health and Genetics/Laboratory Corporation of America, LabCorp); PubMed 31525211 (cited by Department of Molecular Genetics, Istishari Arab Hospital and Women's Health and Genetics/Laboratory Corporation of America, LabCorp); PubMed 33636823 (cited by Department of Molecular Genetics, Istishari Arab Hospital and Dunham Lab, University of Washington); PubMed 29072585 (cited by Women's Health and Genetics/Laboratory Corporation of America, LabCorp and AiLife Diagnostics); PubMed 8956035 (cited by Women's Health and Genetics/Laboratory Corporation of America, LabCorp); PubMed 1303173 (cited by 3 submitters); PubMed 33957359 (cited by Johns Hopkins Genomics, Johns Hopkins University); PubMed 38132231 (cited by Johns Hopkins Genomics, Johns Hopkins University); PubMed 22963789 (cited by Dunham Lab, University of Washington); PubMed 25071003 (cited by Dunham Lab, University of Washington); PubMed 30314477 (cited by Dunham Lab, University of Washington); PubMed 4388132 (cited by Dunham Lab, University of Washington and OMIM); PubMed 28852037 (cited by Dunham Lab, University of Washington); PubMed 14014720 (cited by Dunham Lab, University of Washington); PubMed 18452027 (cited by Dunham Lab, University of Washington); PubMed 27884173 (cited by AiLife Diagnostics); PubMed 26990548 (cited by AiLife Diagnostics); PubMed 29141760 (cited by AiLife Diagnostics); PubMed 27853304 (cited by AiLife Diagnostics); PubMed 26633385 (cited by AiLife Diagnostics and Labcorp Genetics (formerly Invitae), Labcorp); PubMed 30161219 (cited by AiLife Diagnostics); PubMed 27535533 (cited by AiLife Diagnostics); PubMed 23144702 (cited by AiLife Diagnostics); PubMed 21479984 (cited by AiLife Diagnostics); PubMed 21931771 (cited by AiLife Diagnostics); PubMed 28195434 (cited by AiLife Diagnostics); PubMed 16356170 (cited by Labcorp Genetics (formerly Invitae), Labcorp); PubMed 6015571 (cited by Labcorp Genetics (formerly Invitae), Labcorp); PubMed 8611726 (cited by Labcorp Genetics (formerly Invitae), Labcorp); PubMed 9858856 (cited by Labcorp Genetics (formerly Invitae), Labcorp); PubMed 10734064 (cited by Labcorp Genetics (formerly Invitae), Labcorp); PubMed 12737938 (cited by Labcorp Genetics (formerly Invitae), Labcorp); PubMed 2321910 (cited by Labcorp Genetics (formerly Invitae), Labcorp); PubMed 2836867 (cited by 3 submitters); PubMed 5448 (cited by UNC Molecular Genetics  Laboratory, University of North Carolina at Chapel Hill); PubMed 14278484 (cited by OMIM); PubMed 2503817 (cited by OMIM); PubMed 1631957 (cited by OMIM); PubMed 7949118 (cited by Division of Human Genetics, Children's Hospital of Philadelphia); PubMed 3446582 (cited by Division of Human Genetics, Children's Hospital of Philadelphia).